The following is an entry in ClinVar:

ClinVar aggregate classification (germline): Uncertain significance (1 of 4 stars; one submission).

Allele frequency attached by ClinVar (database versions not stated): TOPMed below 0.00001; gnomAD 0.00001.
gnomAD v4.1: 1 of 1,162,735 alleles (0.000086%); highest among the groups gnomAD compares: Non-Finnish European, 0.00011%; no homozygotes.

Submission:

Women's Health and Genetics/Laboratory Corporation of America, LabCorp
Classification: Uncertain significance. Last evaluated: 2024-03-01. Review status: criteria provided, single submitter. Criteria: LabCorp Variant Classification Summary - May 2015. Collection method: clinical testing. Allele origin: germline.
Comment: Variant summary: NONO c.153A>G (p.Gln51Gln) alters a conserved nucleotide located close to a canonical splice site and therefore could affect mRNA splicing, leading to a significantly altered protein sequence. Several computational tools predict a significant impact on normal splicing: Two predict the variant abolishes the canonical 5' splicing donor site. Two predict the variant weakens the canonical 5' donor site. However, these predictions have yet to be confirmed by functional studies. The variant was absent in 85390 control chromosomes. The available data on variant occurrences in the general population are insufficient to allow any conclusion about variant significance. To our knowledge, no occurrence of c.153A>G in individuals affected with Mental Retardation, X-Linked, Syndromic 34 and no experimental evidence demonstrating its impact on protein function have been reported. No submitters have cited clinical-significance assessments for this variant to ClinVar. Based on the evidence outlined above, the variant was classified as uncertain significance.

NM_007363.5(NONO):c.153A>G (p.Gln51=)

Gene: NONO (non-POU domain containing octamer binding; plus strand). Cytogenetic location: Xq13.1.
Variant type: single nucleotide variant.
Coding change: c.153A>G on transcript NM_007363.5 (MANE Select); coding-DNA position 153, A replaced by G.
Protein change: p.Gln51=; no amino-acid change (glutamine 51 retained).
Molecular consequence: synonymous variant. On other transcripts: intron variant (1).
Genome position (GRCh38, 1-based): chrX:71,290,790, A>G. VCF-style: chrX-71290790-A-G. GRCh37 (hg19) VCF-style: chrX-70510640-A-G.
Other names: c.153A>G, p.Gln51= (NM_001145408.2, NM_001145409.2); c.-113-989A>G (NM_001145410.2).
Identifiers: ClinVar variation 3233705 (VCV003233705.2), dbSNP rs2031309674, ClinGen allele CA516728224.